The following is an entry in ClinVar:

NM_001127222.2(CACNA1A):c.6527-16C>T

Gene: CACNA1A (calcium voltage-gated channel subunit alpha1 A; minus strand). Cytogenetic location: 19p13.13.
Variant type: single nucleotide variant.
Coding change: c.6527-16C>T on transcript NM_001127222.2 (MANE Select); 16 bases into the intron before coding-DNA position 6527, C replaced by T.
Molecular consequence: intron variant.
Genome position (GRCh38, 1-based): chr19:13,209,025, G>A on the plus strand (C>T on the coding strand, the complement: CACNA1A is on the minus strand). VCF-style: chr19-13209025-G-A. GRCh37 (hg19) VCF-style: chr19-13319839-G-A.
Other names: c.6530-16C>T (NM_001127221.2); c.6536-16C>T (NM_001174080.2); c.6545-16C>T (NM_000068.4, NM_023035.3).
Identifiers: ClinVar variation 380806 (VCV000380806.11), dbSNP rs752985059, ClinGen allele CA16608048.

ClinVar aggregate classification (germline): Likely benign. Review status: criteria provided, multiple submitters, no conflicts (2 of 4 stars). 4 submissions from 4 submitters: Likely benign (4). Last evaluated 2026-01-26.

Conditions:
Episodic ataxia type 2 (EA2). Also called: ATAXIA, EPISODIC, WITH NYSTAGMUS; ATAXIA, FAMILIAL PAROXYSMAL; CEREBELLAR ATAXIA, PAROXYSMAL, ACETAZOLAMIDE-RESPONSIVE; CEREBELLOPATHY, HEREDITARY PAROXYSMAL; EPISODIC ATAXIA, NYSTAGMUS-ASSOCIATED; ACETAZOLAMIDE-RESPONSIVE HEREDITARY PAROXYSMAL CEREBELLAR ATAXIA. Identifiers: Orphanet 97, MedGen C1720416, MONDO:0007163, OMIM 108500.
Developmental and epileptic encephalopathy, 42 (DEE42A). Also called: Epileptic encephalopathy, early infantile, 42; DEVELOPMENTAL AND EPILEPTIC ENCEPHALOPATHY 42A; EPILEPTIC ENCEPHALOPATHY, EARLY INFANTILE, 42A. Identifiers: MedGen C4310716, MONDO:0014917, OMIM 617106.
Spinocerebellar ataxia type 6 (SCA6). Identifiers: Orphanet 98758, MedGen C0752124, MONDO:0008457, OMIM 183086.
Migraine, familial hemiplegic, 1. Also called: MIGRAINE, FAMILIAL HEMIPLEGIC 1, WITH PROGRESSIVE CEREBELLAR ATAXIA. Identifiers: Orphanet 569, MedGen C1832884, MONDO:0020756, OMIM 141500, MONDO:0007714.

Allele frequency attached by ClinVar (database versions not stated): TOPMed 0.00006; gnomAD 0.00007; gnomAD exomes 0.00007 and 0.00023.
gnomAD v4.1: 321 of 1,536,874 alleles (0.021%); highest among the groups gnomAD compares: Non-Finnish European, 0.028%; no homozygotes.

Submissions (4):

Labcorp Genetics (formerly Invitae), Labcorp
Classification: Likely benign for Developmental and epileptic encephalopathy, 42; Episodic ataxia type 2. Last evaluated: 2026-01-26. Review status: criteria provided, single submitter. Criteria: Invitae Variant Classification Sherloc (09022015). Collection method: clinical testing. Allele origin: germline.

Women's Health and Genetics/Laboratory Corporation of America, LabCorp
Classification: Likely benign. Last evaluated: 2024-09-05. Review status: criteria provided, single submitter. Criteria: LabCorp Variant Classification Summary - May 2015. Collection method: clinical testing. Allele origin: germline.

Fulgent Genetics
Classification: Likely benign for Episodic ataxia type 2; Migraine, familial hemiplegic, 1; Spinocerebellar ataxia type 6; Developmental and epileptic encephalopathy, 42. Last evaluated: 2021-08-06. Review status: criteria provided, single submitter. Criteria: ACMG Guidelines, 2015. Collection method: clinical testing. Allele origin: unknown.

GeneDx
Classification: Likely benign. Last evaluated: 2016-03-01. Review status: criteria provided, single submitter. Criteria: GeneDx Variant Classification (06012015). Collection method: clinical testing. Allele origin: germline. Affected: yes.
Comment: This variant is considered likely benign or benign based on one or more of the following criteria: it is a conservative change, it occurs at a poorly conserved position in the protein, it is predicted to be benign by multiple in silico algorithms, and/or has population frequency not consistent with disease.